The following is an entry in ClinVar:

NM_024426.6(WT1):c.566C>T (p.Pro189Leu)

Genes: WT1 (WT1 transcription factor; minus strand), LOC107982234 (WT1/WT1-AS bi-directional promoter region; plus strand). Cytogenetic location: 11p13.
Variant type: single nucleotide variant.
Coding change: c.566C>T on transcript NM_024426.6 (MANE Select); coding-DNA position 566, C replaced by T.
Protein change: p.Pro189Leu; replaces proline 189 with leucine.
Molecular consequence: missense variant. On other transcripts: non-coding transcript variant (1).
Genome position (GRCh38, 1-based): chr11:32,434,795, G>A on the plus strand (C>T on the coding strand, the complement: WT1 is on the minus strand). VCF-style: chr11-32434795-G-A. GRCh37 (hg19) VCF-style: chr11-32456341-G-A.
Other names: c.566C>T, p.Pro189Leu (NM_000378.6, NM_024424.5); short protein forms P189L.
Identifiers: ClinVar variation 1063158 (VCV001063158.6), dbSNP rs745879965, ClinGen allele CA379964644.
Genomic context (GRCh38, chr11:32,434,795, plus strand): 5'-CTGGGCAGGTAGGGCGCGTTAGGAAACATCCTGGCCTGGCCGGATGACGCCTGGCTGGGC[G>A]GAGGAGGACCGAAGGGCCCGTAGCGACAGGCTCCGGCTGTGCCAGTGAACTGGCCGGAAA-3'
Protein context (NP_077744.4, residues 179-199): ACRYGPFGPP[Pro189Leu]PSQASSGQAR

ClinVar aggregate classification (germline): Uncertain significance (1 of 4 stars; one submission).

Conditions:
Drash syndrome (DDS). Also called: NEPHROPATHY, WILMS TUMOR, AND GENITAL ANOMALIES; WILMS TUMOR AND PSEUDO- OR TRUE HERMAPHRODITISM. Identifiers: Orphanet 220, MedGen C0950121, MONDO:0008682, OMIM 194080.
Frasier syndrome. Identifiers: Orphanet 347, MedGen C0950122, MeSH D052159, MONDO:0007635, OMIM 136680.
Wilms tumor 1 (WT1). Also called: Wilms tumor, somatic. Identifiers: Orphanet 654, MedGen CN033288, MONDO:0008679, OMIM 194070.
11p partial monosomy syndrome (WAGR). Also called: WAGR Complex; WAGR Spectrum Disorder; WAGR syndrome; CHROMOSOME 11p13 DELETION SYNDROME. Identifiers: Orphanet 893, MedGen C0206115, MONDO:0008681, OMIM 194072.

Allele frequency attached by ClinVar (database versions not stated): gnomAD 0.00001.
gnomAD v4.1: 2 of 1,612,434 alleles (0.00012%); highest among the groups gnomAD compares: Admixed American, 0.0033%; no homozygotes.

Submission:

Labcorp Genetics (formerly Invitae), Labcorp
Classification: Uncertain significance for Wilms tumor 1; Drash syndrome; 11p partial monosomy syndrome; Frasier syndrome. Last evaluated: 2021-08-20. Review status: criteria provided, single submitter. Criteria: Invitae Variant Classification Sherloc (09022015). Collection method: clinical testing. Allele origin: germline.
Comment: This sequence change replaces proline with leucine at codon 184 of the WT1 protein (p.Pro184Leu). The proline residue is highly conserved and there is a moderate physicochemical difference between proline and leucine. This variant is not present in population databases (ExAC no frequency). This variant has not been reported in the literature in individuals affected with WT1-related conditions. Algorithms developed to predict the effect of missense changes on protein structure and function (SIFT, PolyPhen-2, Align-GVGD) all suggest that this variant is likely to be disruptive. In summary, the available evidence is currently insufficient to determine the role of this variant in disease. Therefore, it has been classified as a Variant of Uncertain Significance.